The following is an entry in ClinVar:

NM_170606.3(KMT2C):c.14057A>G (p.Asn4686Ser)

Gene: KMT2C (lysine methyltransferase 2C; minus strand). Cytogenetic location: 7q36.1.
Variant type: single nucleotide variant.
Coding change: c.14057A>G on transcript NM_170606.3 (MANE Select); coding-DNA position 14057, A replaced by G.
Protein change: p.Asn4686Ser; replaces asparagine 4686 with serine.
Molecular consequence: missense variant.
Genome position (GRCh38, 1-based): chr7:152,145,270, T>C on the plus strand (A>G on the coding strand, the complement: KMT2C is on the minus strand). VCF-style: chr7-152145270-T-C. GRCh37 (hg19) VCF-style: chr7-151842355-T-C.
Other names: short protein forms N4686S.
Identifiers: ClinVar variation 813693 (VCV000813693.16), dbSNP rs141106704, ClinGen allele CA4578507.
Genomic context (GRCh38, chr7:152,145,270, plus strand): 5'-GTGGGGTTAACGGCAAGAGGAAGTTCCATGAGAGGATTTCGGCCGTATCGGAAGGTATAA[T>C]TTTCACATGCCTCAACCCCAGGAAGCTGAAAAGAAGCAAAGCAGACACAAAGTCACCCCA-3'
Protein context (NP_733751.2, residues 4676-4696): ESLPGVEACE[Asn4686Ser]YTFRYGRNPL

ClinVar aggregate classification (germline): Benign/Likely benign. Review status: criteria provided, multiple submitters, no conflicts (2 of 4 stars). 4 submissions from 4 submitters: Benign (2); Likely benign (1). 1 of the submissions does not count toward it. Last evaluated 2025-10-01.

Conditions:
Microcephaly. Also called: Microcephaly (disease). Identifiers: MedGen C4551563, MONDO:0001149, HP:0000252.
KMT2C-related NDD.

Allele frequency attached by ClinVar (database versions not stated): gnomAD exomes 0.00010 and 0.00039; gnomAD 0.00015; TOPMed 0.00027; ExAC 0.00038; 1000 Genomes Project 30x 0.00047; 1000 Genomes Project 0.00060.
gnomAD v4.1: 172 of 1,614,118 alleles (0.011%); highest among the groups gnomAD compares: East Asian, 0.37%; 1 homozygote.

Submissions (4):

CeGaT Center for Human Genetics Tuebingen
Classification: Likely benign. Last evaluated: 2025-10-01. Review status: criteria provided, single submitter. Criteria: CeGaT Center For Human Genetics Tuebingen Variant Classification Criteria Version 2. Collection method: clinical testing. Allele origin: germline. Affected: yes. Observed: 1 variant allele.
Comment: KMT2C: BP4, BS2

Labcorp Genetics (formerly Invitae), Labcorp
Classification: Benign. Last evaluated: 2023-03-21. Review status: criteria provided, single submitter. Criteria: Invitae Variant Classification Sherloc (09022015). Collection method: clinical testing. Allele origin: germline.

Laboratory of Genetics, Children's Clinical University Hospital Latvia
Classification: Benign for KMT2C-related NDD. Review status: criteria provided, single submitter. Criteria: ACMG Guidelines, 2015. Collection method: research. Allele origin: maternal. Affected: yes.

Department of Pediatrics, Samsung Medical Center, Samsung Medical Center
Classification: Uncertain significance for Microcephaly. Review status: no assertion criteria provided. Criteria: ACMG Guidelines, 2015. Collection method: research. Allele origin: maternal. Affected: yes. Not counted in ClinVar's aggregate classification.

Literature cited by the submitters: PubMed 39013459 (cited by Laboratory of Genetics, Children's Clinical University Hospital Latvia).